The following is an entry in ClinVar:

NM_212482.4(FN1):c.5587C>G (p.Pro1863Ala)

Gene: FN1 (fibronectin 1; minus strand). Cytogenetic location: 2q35.
Variant type: single nucleotide variant.
Coding change: c.5587C>G on transcript NM_212482.4 (MANE Select); coding-DNA position 5587, C replaced by G.
Protein change: p.Pro1863Ala; replaces proline 1863 with alanine.
Molecular consequence: missense variant.
Genome position (GRCh38, 1-based): chr2:215,379,165, G>C on the plus strand (C>G on the coding strand, the complement: FN1 is on the minus strand). VCF-style: chr2-215379165-G-C. GRCh37 (hg19) VCF-style: chr2-216243888-G-C.
Other names: c.5587C>G, p.Pro1863Ala (NM_001306129.2); c.5317C>G, p.Pro1773Ala (NM_001306130.2, NM_001365517.2, NM_001365519.2 and 2 more transcripts); c.5044C>G, p.Pro1682Ala (NM_001306131.2, NM_001306132.2, NM_001365523.2 and 2 more transcripts); c.5314C>G, p.Pro1772Ala (NM_001365518.2, NM_001365520.2, NM_001365524.2 and 2 more transcripts); short protein forms P1863A, P1682A, P1773A, P1772A.
Identifiers: ClinVar variation 1359823 (VCV001359823.8), dbSNP rs1575355312, ClinGen allele CA350472685.

ClinVar aggregate classification (germline): Uncertain significance (1 of 4 stars; one submission).

Allele frequency attached by ClinVar (database versions not stated): TOPMed below 0.00001.
gnomAD v4.1: 1 of 1,613,940 alleles (0.000062%); highest among the groups gnomAD compares: Non-Finnish European, 0.000085%; no homozygotes.

Submission:

Labcorp Genetics (formerly Invitae), Labcorp
Classification: Uncertain significance. Last evaluated: 2022-08-23. Review status: criteria provided, single submitter. Criteria: Invitae Variant Classification Sherloc (09022015). Collection method: clinical testing. Allele origin: germline.
Comment: In summary, the available evidence is currently insufficient to determine the role of this variant in disease. Therefore, it has been classified as a Variant of Uncertain Significance. Algorithms developed to predict the effect of missense changes on protein structure and function are either unavailable or do not agree on the potential impact of this missense change (SIFT: "Not Available"; PolyPhen-2: "Probably Damaging"; Align-GVGD: "Not Available"). ClinVar contains an entry for this variant (Variation ID: 1359823). This variant has not been reported in the literature in individuals affected with FN1-related conditions. This variant is not present in population databases (gnomAD no frequency). This sequence change replaces proline, which is neutral and non-polar, with alanine, which is neutral and non-polar, at codon 1863 of the FN1 protein (p.Pro1863Ala).